The following is an entry in ClinVar:

ClinVar aggregate classification (germline): Uncertain significance (1 of 4 stars; one submission).

Submission:

GeneDx
Classification: Uncertain significance. Last evaluated: 2024-01-08. Review status: criteria provided, single submitter. Criteria: GeneDx Variant Classification Process June 2021. Collection method: clinical testing. Allele origin: germline. Affected: yes.
Comment: Not observed at significant frequency in large population cohorts (gnomAD); In silico analysis supports that this missense variant has a deleterious effect on protein structure/function; Has not been previously published as pathogenic or benign to our knowledge

NM_000069.3(CACNA1S):c.672G>C (p.Lys224Asn)

Gene: CACNA1S (calcium voltage-gated channel subunit alpha1 S; minus strand). Cytogenetic location: 1q32.1.
Variant type: single nucleotide variant.
Coding change: c.672G>C on transcript NM_000069.3 (MANE Select); coding-DNA position 672, G replaced by C.
Protein change: p.Lys224Asn; replaces lysine 224 with asparagine.
Molecular consequence: missense variant.
Genome position (GRCh38, 1-based): chr1:201,091,662, C>G on the plus strand (G>C on the coding strand, the complement: CACNA1S is on the minus strand). VCF-style: chr1-201091662-C-G. GRCh37 (hg19) VCF-style: chr1-201060790-C-G.
Other names: short protein forms K224N.
Identifiers: ClinVar variation 3367507 (VCV003367507.1).
Genomic context (GRCh38, chr1:201,091,662, plus strand): 5'-GGCCCTGCCCCACAGCCCCACTTTCCCTGGGAGCTCACCTGTACCAATGAAGTAGCAGGT[C>G]TTGTGCATCTTGCCCTTGAAGAGCTCCAGCCCGATGATGGCATAGATGATGACCATAAAG-3'
Protein context (NP_000060.2, residues 214-234): GLELFKGKMH[Lys224Asn]TCYFIGTDIV